The following is an entry in ClinVar:

ClinVar aggregate classification (germline): Likely benign. Review status: criteria provided, multiple submitters, no conflicts (2 of 4 stars). 7 submissions from 7 submitters: Likely benign (6). 1 of the submissions does not count toward it. Last evaluated 2026-08-01.

Conditions:
Congenital heart defects, dysmorphic facial features, and intellectual developmental disorder (CHDFIDD). Identifiers: Orphanet 646278, MedGen C4479246, MONDO:0044302, OMIM 617360.
CDK13-related disorder. Also called: CDK13-related condition. Identifiers: MedGen C5816700.

Allele frequency attached by ClinVar (database versions not stated): gnomAD exomes 0.00181 and 0.00098; 1000 Genomes Project 30x 0.00031; 1000 Genomes Project 0.00040; TOPMed 0.00101; ExAC 0.00105; gnomAD 0.00107 and 0.00109; ESP Exome Variant Server 0.00154.
gnomAD v4.1: 2,747 of 1,599,322 alleles (0.17%); highest among the groups gnomAD compares: Non-Finnish European, 0.22%; 5 homozygotes.

Submissions (12):

CeGaT Center for Human Genetics Tuebingen
Classification: Likely benign. Last evaluated: 2026-08-01. Review status: criteria provided, single submitter. Criteria: CeGaT Center For Human Genetics Tuebingen Variant Classification Criteria Version 2. Collection method: clinical testing. Allele origin: germline. Affected: yes. Observed: 7 variant alleles.
Comment: CDK13: PP2, BS1

Labcorp Genetics (formerly Invitae), Labcorp
Classification: Likely benign. Last evaluated: 2025-12-13. Review status: criteria provided, single submitter. Criteria: Invitae Variant Classification Sherloc (09022015). Collection method: clinical testing. Allele origin: germline.

Laboratory of Genetics, Children's Clinical University Hospital Latvia
Classification: Likely benign. Last evaluated: 2025-02-16. Review status: criteria provided, single submitter. Criteria: ACMG Guidelines, 2015. Collection method: clinical testing. Allele origin: germline. Affected: yes.

Blueprint Genetics
Classification: Likely benign. Last evaluated: 2024-11-21. Review status: criteria provided, single submitter. Criteria: ACMG Guidelines, 2015. Collection method: clinical testing. Allele origin: germline.

Fulgent Genetics
Classification: Likely benign for Congenital heart defects, dysmorphic facial features, and intellectual developmental disorder. Last evaluated: 2022-01-24. Review status: criteria provided, single submitter. Criteria: ACMG Guidelines, 2015. Collection method: clinical testing. Allele origin: unknown.

Breakthrough Genomics
Classification: Likely benign. Review status: criteria provided, single submitter. Criteria: ACMG Guidelines, 2015. Collection method: not provided. Allele origin: germline. Inheritance: Autosomal dominant inheritance. Affected: yes.

PreventionGenetics, part of Exact Sciences
Classification: Likely benign for CDK13-related condition. Last evaluated: 2023-11-01. Review status: no assertion criteria provided. Collection method: clinical testing. Allele origin: germline. Not counted in ClinVar's aggregate classification.
Comment: This variant is classified as likely benign based on ACMG/AMP sequence variant interpretation guidelines (Richards et al. 2015 PMID: 25741868, with internal and published modifications).

Dr. Peter K. Rogan Lab, Western University
No classification provided (evidence only). Condition: Clear cell carcinoma of kidney. Review status: no classification provided. Collection method: in vitro. Allele origin: not applicable. Functional consequence: retained intron. Not counted in ClinVar's aggregate classification.

Dr. Peter K. Rogan Lab, Western University
No classification provided (evidence only). Condition: Cervical cancer. Review status: no classification provided. Collection method: in vitro. Allele origin: not applicable. Functional consequence: retained intron. Not counted in ClinVar's aggregate classification.

Dr. Peter K. Rogan Lab, Western University
No classification provided (evidence only). Condition: Thymoma. Review status: no classification provided. Collection method: in vitro. Allele origin: not applicable. Functional consequence: retained intron. Not counted in ClinVar's aggregate classification.

Dr. Peter K. Rogan Lab, Western University
No classification provided (evidence only). Condition: Ovarian serous cystadenocarcinoma. Review status: no classification provided. Collection method: in vitro. Allele origin: not applicable. Functional consequence: retained intron. Not counted in ClinVar's aggregate classification.

Dr. Peter K. Rogan Lab, Western University
No classification provided (evidence only). Condition: Chronic lymphocytic leukemia/small lymphocytic lymphoma. Review status: no classification provided. Collection method: in vitro. Allele origin: not applicable. Functional consequence: retained intron. Not counted in ClinVar's aggregate classification.

NM_003718.5(CDK13):c.2180C>T (p.Thr727Ile)

Gene: CDK13 (cyclin dependent kinase 13; plus strand). Cytogenetic location: 7p14.1.
Variant type: single nucleotide variant.
Coding change: c.2180C>T on transcript NM_003718.5 (MANE Select); coding-DNA position 2180, C replaced by T.
Protein change: p.Thr727Ile; replaces threonine 727 with isoleucine.
Molecular consequence: missense variant.
Genome position (GRCh38, 1-based): chr7:39,999,498, C>T. VCF-style: chr7-39999498-C-T. GRCh37 (hg19) VCF-style: chr7-40039097-C-T.
Other names: c.2180C>T, p.Thr727Ile (NM_031267.4); short protein forms T727I.
Identifiers: ClinVar variation 788670 (VCV000788670.38), dbSNP rs140848307, ClinGen allele CA4228646.
Genomic context (GRCh38, chr7:39,999,498, plus strand): 5'-TCATCGGAATTATTGGAGAAGGTACTTACGGACAAGTTTACAAAGCCAGGGATAAAGACA[C>T]TGGTAAGAATGCCAAGTTCTGGGGATCTTTGGGCCTACGGAATGTACTTAGTTTGTGTTT-3'
Protein context (NP_003709.3, residues 717-737): GQVYKARDKD[Thr727Ile]GEMVALKKVR